The following is an entry in ClinVar:

NM_000268.4(NF2):c.112G>T (p.Glu38Ter)

Gene: NF2 (NF2, moesin-ezrin-radixin like (MERLIN) tumor suppressor; plus strand). Cytogenetic location: 22q12.2.
Variant type: single nucleotide variant.
Coding change: c.112G>T on transcript NM_000268.4 (MANE Select); coding-DNA position 112, G replaced by T.
Protein change: p.Glu38Ter; replaces glutamic acid 38 with a stop codon.
Molecular consequence: nonsense. On other transcripts: 5 prime UTR variant (4), non-coding transcript variant (1).
Genome position (GRCh38, 1-based): chr22:29,604,110, G>T. VCF-style: chr22-29604110-G-T. GRCh37 (hg19) VCF-style: chr22-30000099-G-T.
Other names: c.-119G>T (NM_001407053.1, NM_001407056.1); c.112G>T, p.Glu38Ter (NM_001407054.1, NM_001407055.1, NM_001407057.1 and 15 more transcripts); c.-529G>T (NM_001407065.1); c.-145G>T (NM_001407067.1); short protein forms E38*.
Identifiers: ClinVar variation 2737025 (VCV002737025.3), dbSNP rs2518228232, ClinGen allele CA411146330.
Genomic context (GRCh38, chr22:29,604,110, plus strand): 5'-CAACCCAAGACGTTCACCGTGAGGATCGTCACCATGGACGCCGAGATGGAGTTCAATTGC[G>T]AGGTAACCGGCCGGCAGCCCCGACTGCTGCGGTGACAGTCGAGGTGGAAGCTCGAGAGGT-3'

ClinVar aggregate classification (germline): Pathogenic (1 of 4 stars; one submission).

Conditions:
Neurofibromatosis, type 2 (SWNV). Also called: SCHWANNOMATOSIS, VESTIBULAR; BILATERAL ACOUSTIC NEUROFIBROMATOSIS; NF2-Related Schwannomatosis. Identifiers: Orphanet 637, MedGen C0027832, MONDO:0007039, OMIM 101000. Disease mechanism: loss of function.

Submission:

Labcorp Genetics (formerly Invitae), Labcorp
Classification: Pathogenic for Neurofibromatosis, type 2. Last evaluated: 2026-01-22. Review status: criteria provided, single submitter. Criteria: Invitae Variant Classification Sherloc (09022015). Collection method: clinical testing. Allele origin: germline.
Comment: This sequence change creates a premature translational stop signal (p.Glu38*) in the NF2 gene. It is expected to result in an absent or disrupted protein product. Loss-of-function variants in NF2 are known to be pathogenic (PMID: 9643284, 16983642). This variant is not present in population databases (gnomAD no frequency). This variant has not been reported in the literature in individuals affected with NF2-related conditions. ClinVar contains an entry for this variant (Variation ID: 2737025). For these reasons, this variant has been classified as Pathogenic.

Literature cited by the submitters: PubMed 9643284; PubMed 16983642.